The following is an entry in ClinVar:

NC_000010.10:g.(?_67680088)_(68535302_?)dup

Gene: CTNNA3 (catenin alpha 3; minus strand). Cytogenetic location: 10q21.3.
Variant type: Duplication.
Identifiers: ClinVar variation 1447178 (VCV001447178.4).

ClinVar aggregate classification (germline): Uncertain significance (1 of 4 stars; one submission).

Conditions:
Arrhythmogenic right ventricular dysplasia 13. Also called: ARRHYTHMOGENIC RIGHT VENTRICULAR CARDIOMYOPATHY 13; Arrhythmogenic right ventricular dysplasia, familial, 13. Identifiers: MedGen C3810138, MONDO:0000908, OMIM 615616.

Submission:

Labcorp Genetics (formerly Invitae), Labcorp
Classification: Uncertain significance for Arrhythmogenic right ventricular dysplasia 13. Last evaluated: 2021-08-07. Review status: criteria provided, single submitter. Criteria: Invitae Variant Classification Sherloc (09022015). Collection method: clinical testing. Allele origin: germline.
Comment: In summary, the available evidence is currently insufficient to determine the role of this variant in disease. Therefore, it has been classified as a Variant of Uncertain Significance. Experimental studies and prediction algorithms are not available or were not evaluated, and the functional significance of this variant is currently unknown. This variant has not been reported in the literature in individuals affected with CTNNA3-related conditions. This variant results in a copy number gain of the genomic region encompassing exon(s) 8-18 of the CTNNA3 gene. This region includes the termination codon of the gene. This copy number gain extends beyond the assayed region for this gene and therefore may encompass additional genes. As the precise location of this event is unknown, it may be in tandem or it may be located elsewhere in the genome.